The following is an entry in ClinVar:

ClinVar aggregate classification (germline): Uncertain significance (1 of 4 stars; one submission).

Conditions:
Familial focal epilepsy with variable foci (FPEVF). Identifiers: Orphanet 98820, MedGen C1858477, MONDO:0020310.

Submission:

Labcorp Genetics (formerly Invitae), Labcorp
Classification: Uncertain significance for Familial focal epilepsy with variable foci. Last evaluated: 2021-02-12. Review status: criteria provided, single submitter. Criteria: Invitae Variant Classification Sherloc (09022015). Collection method: clinical testing. Allele origin: germline.
Comment: In summary, the available evidence is currently insufficient to determine the role of this variant in disease. Therefore, it has been classified as a Variant of Uncertain Significance. Algorithms developed to predict the effect of sequence changes on RNA splicing suggest that this variant may create or strengthen a splice site, but this prediction has not been confirmed by published transcriptional studies. This sequence change replaces methionine with valine at codon 177 of the DEPDC5 protein (p.Met177Val). The methionine residue is highly conserved and there is a small physicochemical difference between methionine and valine. This variant is not present in population databases (ExAC no frequency). This variant has not been reported in the literature in individuals with DEPDC5-related conditions. Algorithms developed to predict the effect of missense changes on protein structure and function are either unavailable or do not agree on the potential impact of this missense change (SIFT: "Deleterious"; PolyPhen-2: "Not Available"; Align-GVGD: "Class C15").

NM_001242896.3(DEPDC5):c.529A>G (p.Met177Val)

Gene: DEPDC5 (DEP domain containing 5, GATOR1 subcomplex subunit; plus strand). Cytogenetic location: 22q12.2.
Variant type: single nucleotide variant.
Coding change: c.529A>G on transcript NM_001242896.3 (MANE Select); coding-DNA position 529, A replaced by G.
Protein change: p.Met177Val; replaces methionine 177 with valine.
Molecular consequence: missense variant. On other transcripts: non-coding transcript variant (5).
Genome position (GRCh38, 1-based): chr22:31,783,952, A>G. VCF-style: chr22-31783952-A-G. GRCh37 (hg19) VCF-style: chr22-32179938-A-G.
Other names: c.529A>G, p.Met177Val (NM_001007188.4, NM_001136029.4, NM_001242897.2 and 7 more transcripts); c.445A>G, p.Met149Val (NM_001369901.1, NM_001369902.1); short protein forms M149V, M177V.
Identifiers: ClinVar variation 1509099 (VCV001509099.8), dbSNP rs2148405162, ClinGen allele CA411285737.
Genomic context (GRCh38, chr22:31,783,952, plus strand): 5'-GTGTTTTTATTTCAGGTGGTGTTTCGTTCTACGTCGGCTATGGTTTACATATTTATTCAG[A>G]TGAGCTGTGAAATGTGGGATTTTGATATTTATGGTACTGTGTCTATGTGCTGATTGTAAC-3'
Protein context (NP_001229825.1, residues 167-187): TSAMVYIFIQ[Met177Val]SCEMWDFDIY